The following is an entry in ClinVar:

ClinVar aggregate classification (germline): not provided (0 of 4 stars; one submission).

Allele frequency attached by ClinVar (database versions not stated): gnomAD exomes 0.00002; gnomAD 0.00004 and 0.00005; TOPMed 0.00005; 1000 Genomes Project 30x 0.00031.
gnomAD v4.1: 22 of 787,574 alleles (0.0028%); highest among the groups gnomAD compares: African/African-American, 0.015%; no homozygotes.

Submission:

Human Evolutionary Genetics, Institut Pasteur
No classification provided. Review status: no classification provided. Collection method: not provided. Allele origin: germline.
ClinVar note: Converted during submission from untested to not provided.

NM_001370466.1(NOD2):c.-8-2388C>T

Gene: NOD2 (nucleotide binding oligomerization domain containing 2; plus strand). Cytogenetic location: 16q12.1.
Variant type: single nucleotide variant.
Coding change: c.-8-2388C>T on transcript NM_001370466.1 (MANE Select); 2388 bases into the intron before 8 bases upstream of the start codon, C replaced by T.
Molecular consequence: intron variant. On other transcripts: 5 prime UTR variant (1).
Genome position (GRCh38, 1-based): chr16:50,697,100, C>T. VCF-style: chr16-50697100-C-T. GRCh37 (hg19) VCF-style: chr16-50731011-C-T.
Other names: c.-144C>T (NM_022162.3).
Identifiers: ClinVar variation 102972 (VCV000102972.2), dbSNP rs199475909, ClinGen allele CA229938.